The following is an entry in ClinVar:

NM_017637.6(BNC2):c.2636+496C>T

Gene: BNC2 (basonuclin zinc finger protein 2; minus strand). Cytogenetic location: 9p22.3.
Variant type: single nucleotide variant.
Coding change: c.2636+496C>T on transcript NM_017637.6 (MANE Select); 496 bases into the intron after coding-DNA position 2636, C replaced by T.
Molecular consequence: intron variant. On other transcripts: missense variant (1).
Genome position (GRCh38, 1-based): chr9:16,435,059, G>A on the plus strand (C>T on the coding strand, the complement: BNC2 is on the minus strand). VCF-style: chr9-16435059-G-A. GRCh37 (hg19) VCF-style: chr9-16435057-G-A.
Other names: c.2554C>T, p.His852Tyr (NM_001317939.2); c.2354+496C>T (NM_001317940.2); short protein forms H852Y.
Identifiers: ClinVar variation 3049679 (VCV003049679.3), dbSNP rs73415418, ClinGen allele CA4995826.

ClinVar aggregate classification (germline): Likely benign. Review status: criteria provided, single submitter (1 of 4 stars). 2 submissions from 2 submitters: Likely benign (1). 1 of the submissions does not count toward it. Last evaluated 2021-07-30.

Conditions:
BNC2-related disorder. Also called: BNC2-related condition.
Lower urinary tract obstruction, congenital. Identifiers: MedGen C5231427, MONDO:0032833, OMIM 618612.

Allele frequency attached by ClinVar (database versions not stated): gnomAD exomes 0.00018; ExAC 0.00040; gnomAD 0.00204; TOPMed 0.00215; 1000 Genomes Project 0.00300; 1000 Genomes Project 30x 0.00328.
gnomAD v4.1: 368 of 471,470 alleles (0.078%); highest among the groups gnomAD compares: African/African-American, 0.7%; 1 homozygote.

Submissions (2):

Department of Pathology and Laboratory Medicine, Sinai Health System
Classification: Likely benign for lower urinary tract obstruction, congenital. Last evaluated: 2021-07-30. Review status: criteria provided, single submitter. Criteria: ACMG Guidelines, 2015. Collection method: research. Allele origin: germline.

PreventionGenetics, part of Exact Sciences
Classification: Likely benign for BNC2-related condition. Last evaluated: 2019-04-01. Review status: no assertion criteria provided. Collection method: clinical testing. Allele origin: germline. Not counted in ClinVar's aggregate classification.
Comment: This variant is classified as likely benign based on ACMG/AMP sequence variant interpretation guidelines (Richards et al. 2015 PMID: 25741868, with internal and published modifications).